The following is an entry in ClinVar:

NM_052947.4(ALPK2):c.4349C>T (p.Ala1450Val)

Genes: ALPK2 (alpha kinase 2; minus strand), LOC126862764 (BRD4-independent group 4 enhancer GRCh37_chr18:56202574-56203773; plus strand). Cytogenetic location: 18q21.31.
Variant type: single nucleotide variant.
Coding change: c.4349C>T on transcript NM_052947.4 (MANE Select); coding-DNA position 4349, C replaced by T.
Protein change: p.Ala1450Val; replaces alanine 1450 with valine.
Molecular consequence: missense variant.
Genome position (GRCh38, 1-based): chr18:58,535,838, G>A on the plus strand (C>T on the coding strand, the complement: ALPK2 is on the minus strand). VCF-style: chr18-58535838-G-A. GRCh37 (hg19) VCF-style: chr18-56203070-G-A.
Other names: short protein forms A1450V.
Identifiers: ClinVar variation 1739903 (VCV001739903.2), dbSNP rs1295567935, ClinGen allele CA402563060.

ClinVar aggregate classification (germline): Uncertain significance (1 of 4 stars; one submission).

Allele frequency attached by ClinVar (database versions not stated): gnomAD exomes below 0.00001.
gnomAD v4.1: 1 of 1,614,188 alleles (0.000062%); highest among the groups gnomAD compares: Admixed American, 0.0017%; no homozygotes.

Submission:

Ambry Genetics
Classification: Uncertain significance. Last evaluated: 2021-10-06. Review status: criteria provided, single submitter. Criteria: Ambry Variant Classification Scheme 2023. Collection method: clinical testing. Allele origin: germline.
Comment: The p.A1450V variant (also known as c.4349C>T), located in coding exon 4 of the ALPK2 gene, results from a C to T substitution at nucleotide position 4349. The alanine at codon 1450 is replaced by valine, an amino acid with similar properties. This amino acid position is conserved. In addition, this alteration is predicted to be tolerated by in silico analysis. Since supporting evidence is limited at this time, the clinical significance of this alteration remains unclear.